The following is an entry in ClinVar:

NM_002547.3(OPHN1):c.934-5A>G

Gene: OPHN1 (oligophrenin 1; minus strand). Cytogenetic location: Xq12.
Variant type: single nucleotide variant.
Coding change: c.934-5A>G on transcript NM_002547.3 (MANE Select); 5 bases into the intron before coding-DNA position 934, A replaced by G.
Molecular consequence: intron variant.
Genome position (GRCh38, 1-based): chrX:68,201,715, T>C on the plus strand (A>G on the coding strand, the complement: OPHN1 is on the minus strand). VCF-style: chrX-68201715-T-C. GRCh37 (hg19) VCF-style: chrX-67421557-T-C.
Identifiers: ClinVar variation 2263879 (VCV002263879.3), dbSNP rs1364490907, ClinGen allele CA877574547.
Genomic context (GRCh38, chrX:68,201,715, plus strand): 5'-TCGATAGACTCCGTCTTCCTTCTCACACAGTACTTCAGTGTTAAGTCCAAGGGCCCCTGA[T>C]ATGAAACAAGAATTAACAGGCAATTTTTAAAAAAAGACACAGAAGCTGTTTCTGCTTCCT-3'

ClinVar aggregate classification (germline): Uncertain significance (1 of 4 stars; one submission).

Conditions:
Inborn genetic diseases. Identifiers: MedGen C0950123, MeSH D030342.

Allele frequency attached by ClinVar (database versions not stated): TOPMed 0.00001.

Submission:

Ambry Genetics
Classification: Uncertain significance for Inborn genetic diseases. Last evaluated: 2021-12-17. Review status: criteria provided, single submitter. Criteria: Ambry Variant Classification Scheme 2023. Collection method: clinical testing. Allele origin: germline.
Comment: The c.934-5A>G intronic alteration results from an A to G substitution 5 nucleotides before exon 11 (coding exon 10) of the OPHN1 gene. This variant was not reported in population-based cohorts in the Genome Aggregation Database (gnomAD). This nucleotide position is not well conserved in available vertebrate species. In silico splice site analysis predicts that this alteration will not have any significant effect on splicing. Based on insufficient or conflicting evidence, the clinical significance of this alteration remains unclear.